The following is an entry in ClinVar:

NM_001127715.4(STXBP5):c.2616A>G (p.Pro872=)

Gene: STXBP5 (syntaxin binding protein 5; plus strand). Cytogenetic location: 6q24.3.
Variant type: single nucleotide variant.
Coding change: c.2616A>G on transcript NM_001127715.4 (MANE Select); coding-DNA position 2616, A replaced by G.
Protein change: p.Pro872=; no amino-acid change (proline 872 retained).
Molecular consequence: synonymous variant.
Genome position (GRCh38, 1-based): chr6:147,363,405, A>G. VCF-style: chr6-147363405-A-G. GRCh37 (hg19) VCF-style: chr6-147684541-A-G.
Other names: c.2568A>G, p.Pro856= (NM_001394409.1); c.2508A>G, p.Pro836= (NM_139244.6).
Identifiers: ClinVar variation 783477 (VCV000783477.5), dbSNP rs34181841, ClinGen allele CA4039341.
Genomic context (GRCh38, chr6:147,363,405, plus strand): 5'-GAGGTTAAAAGGTGCAATCTTGAGAATGGCATTTCTGGATACCACAGGCTGCTTAATACC[A>G]CCTGCGTATGAACCCTGGAGAGAGCACAATGTTCCTGAAGAAAAAGACGAAAAGGAGAAA-3'
Protein context (NP_001121187.1, residues 862-882): AFLDTTGCLI[Pro872=]PAYEPWREHN

ClinVar aggregate classification (germline): Benign. Review status: criteria provided, single submitter (1 of 4 stars). 2 submissions from 2 submitters: Benign (1). 1 of the submissions does not count toward it. Last evaluated 2018-02-20.

Conditions:
STXBP5-related disorder. Also called: STXBP5-related condition.

Allele frequency attached by ClinVar (database versions not stated): gnomAD exomes 0.00169 and 0.00469; ExAC 0.00573; gnomAD 0.01686 and 0.01791; ESP Exome Variant Server 0.01999; TOPMed 0.02037; 1000 Genomes Project 0.02236; 1000 Genomes Project 30x 0.02327.
gnomAD v4.1: 5,128 of 1,614,050 alleles (0.32%); highest among the groups gnomAD compares: African/African-American, 5.9%; 132 homozygotes.

Submissions (2):

Labcorp Genetics (formerly Invitae), Labcorp
Classification: Benign. Last evaluated: 2018-02-20. Review status: criteria provided, single submitter. Criteria: Invitae Variant Classification Sherloc (09022015). Collection method: clinical testing. Allele origin: germline.

PreventionGenetics, part of Exact Sciences
Classification: Benign for STXBP5-related condition. Last evaluated: 2020-02-26. Review status: no assertion criteria provided. Collection method: clinical testing. Allele origin: germline. Not counted in ClinVar's aggregate classification.
Comment: This variant is classified as benign based on ACMG/AMP sequence variant interpretation guidelines (Richards et al. 2015 PMID: 25741868, with internal and published modifications).